The following is an entry in ClinVar:

NM_002941.4(ROBO1):c.3463C>G (p.Arg1155Gly)

Gene: ROBO1 (roundabout guidance receptor 1; minus strand). Cytogenetic location: 3p12.3.
Variant type: single nucleotide variant.
Coding change: c.3463C>G on transcript NM_002941.4 (MANE Select); coding-DNA position 3463, C replaced by G.
Protein change: p.Arg1155Gly; replaces arginine 1155 with glycine.
Molecular consequence: missense variant.
Genome position (GRCh38, 1-based): chr3:78,633,953, G>C on the plus strand (C>G on the coding strand, the complement: ROBO1 is on the minus strand). VCF-style: chr3-78633953-G-C. GRCh37 (hg19) VCF-style: chr3-78683103-G-C.
Other names: c.3328C>G, p.Arg1110Gly (NM_001145844.1, NM_133631.4); c.3163C>G, p.Arg1055Gly (NM_001145845.2); short protein forms R1110G, R1155G, R1055G.
Identifiers: ClinVar variation 2757893 (VCV002757893.3), dbSNP rs759947257, ClinGen allele CA2498350.

ClinVar aggregate classification (germline): Uncertain significance (1 of 4 stars; one submission).

gnomAD v4.1: 4 of 1,610,224 alleles (0.00025%); highest among the groups gnomAD compares: East Asian, 0.0067%; no homozygotes.

Submission:

Labcorp Genetics (formerly Invitae), Labcorp
Classification: Uncertain significance. Last evaluated: 2024-06-03. Review status: criteria provided, single submitter. Criteria: Invitae Variant Classification Sherloc (09022015). Collection method: clinical testing. Allele origin: germline.
Comment: This sequence change replaces arginine, which is basic and polar, with glycine, which is neutral and non-polar, at codon 1155 of the ROBO1 protein (p.Arg1155Gly). This variant is present in population databases (rs759947257, gnomAD 0.02%). This variant has not been reported in the literature in individuals affected with ROBO1-related conditions. An algorithm developed to predict the effect of missense changes on protein structure and function (PolyPhen-2) suggests that this variant is likely to be disruptive. In summary, the available evidence is currently insufficient to determine the role of this variant in disease. Therefore, it has been classified as a Variant of Uncertain Significance.